The following is an entry in ClinVar:

NM_003200.5(TCF3):c.106C>T (p.Arg36Trp)

Gene: TCF3 (transcription factor 3; minus strand). Cytogenetic location: 19p13.3.
Variant type: single nucleotide variant.
Coding change: c.106C>T on transcript NM_003200.5 (MANE Select); coding-DNA position 106, C replaced by T.
Protein change: p.Arg36Trp; replaces arginine 36 with tryptophan.
Molecular consequence: missense variant.
Genome position (GRCh38, 1-based): chr19:1,646,394, G>A on the plus strand (C>T on the coding strand, the complement: TCF3 is on the minus strand). VCF-style: chr19-1646394-G-A. GRCh37 (hg19) VCF-style: chr19-1646393-G-A.
Other names: c.106C>T, p.Arg36Trp (NM_001136139.4, NM_001351778.2, NM_001351779.2); short protein forms R36W.
Identifiers: ClinVar variation 1378398 (VCV001378398.6), dbSNP rs1021900878, ClinGen allele CA304106979.
Genomic context (GRCh38, chr19:1,646,394, plus strand): 5'-GGCAGGAAGGCGGGGTCCTACCTGAACCTCCGAACTGCGCCCCGGCCAGGGAGGCGGGCC[G>A]GCCCTTCCCGTTGGTGACAGGCAGCGGGAACATCTGCAGGGAGGGGAGGGGAGACGTGAG-3'
Protein context (NP_003191.1, residues 26-46): FPLPVTNGKG[Arg36Trp]PASLAGAQFG

ClinVar aggregate classification (germline): Uncertain significance (1 of 4 stars; one submission).

Allele frequency attached by ClinVar (database versions not stated): gnomAD 0.00001; gnomAD exomes 0.00001; TOPMed 0.00001.
gnomAD v4.1: 9 of 1,550,190 alleles (0.00058%); highest among the groups gnomAD compares: Admixed American, 0.002%; no homozygotes.

Submission:

Labcorp Genetics (formerly Invitae), Labcorp
Classification: Uncertain significance. Last evaluated: 2021-04-21. Review status: criteria provided, single submitter. Criteria: Invitae Variant Classification Sherloc (09022015). Collection method: clinical testing. Allele origin: germline.
Comment: In summary, the available evidence is currently insufficient to determine the role of this variant in disease. Therefore, it has been classified as a Variant of Uncertain Significance. Experimental studies and prediction algorithms are not available or were not evaluated, and the functional significance of this variant is currently unknown. This variant has not been reported in the literature in individuals with TCF3-related conditions. This variant is not present in population databases (ExAC no frequency). This sequence change replaces arginine with tryptophan at codon 36 of the TCF3 protein (p.Arg36Trp). The arginine residue is moderately conserved and there is a moderate physicochemical difference between arginine and tryptophan.